The following is an entry in ClinVar:

ClinVar aggregate classification (germline): Pathogenic (1 of 4 stars; one submission).

Conditions:
Anauxetic dysplasia. Identifiers: Orphanet 93347, MedGen C1846796, MONDO:0011773.

Submission:

Labcorp Genetics (formerly Invitae), Labcorp
Classification: Pathogenic for Anauxetic dysplasia. Last evaluated: 2024-06-03. Review status: criteria provided, single submitter. Criteria: Invitae Variant Classification Sherloc (09022015). Collection method: clinical testing. Allele origin: germline.
Comment: This variant occurs in the RMRP gene, which encodes an RNA molecule that does not result in a protein product. This variant is not present in population databases (gnomAD no frequency). While this particular variant has not been reported in the literature, it is located in the promoter region between the TATA box and the transcription initiation site, and other insertions and duplications immediately upstream of the coding sequence have been reported in individuals affected with cartilage-hair hypoplasia-anauxetic dysplasia (CHH-AD) spectrum disorders (PMID: 16244706, 11207361, 12107819). While functional studies for this variant have not been reported, experimental analyses using patient derived cells, as well as in vitro transfection studies, have shown that promoter insertions result in silencing of RMRP transcription and reduced expression of the gene product (PMID: 11207361, 16254002). For these reasons, this variant has been classified as Pathogenic.

Literature cited by the submitters: PubMed 16244706; PubMed 11207361; PubMed 12107819; PubMed 16254002.

NC_000009.12:g.35658018_35658045dup

Gene: RMRP (RNA component of mitochondrial RNA processing endoribonuclease; minus strand). Cytogenetic location: 9p13.3.
Variant type: Duplication.
Genome position: GRCh38 VCF-style: chr9-35658017-C-CCACGTCCTCAGCTTCACAGAGTAGTATT. GRCh37 (hg19) VCF-style: chr9-35658014-C-CCACGTCCTCAGCTTCACAGAGTAGTATT.
Identifiers: ClinVar variation 2915540 (VCV002915540.3), dbSNP rs2490603023, ClinGen allele CA2689879444.
Genomic context (GRCh38, chr9:35,658,017, plus strand): 5'-CGGAAAGGGGAGGAACAGAGTCCTCAGTGTGTAGCCTAGGATACAGGCCTTCAGCACGAA[C>CCACGTCCTCAGCTTCACAGAGTAGTATT]CACGTCCTCAGCTTCACAGAGTAGTATTTTATAGCCCTAAAGAAATTGTGTTTTATGATT-3'